The following is an entry in ClinVar:

ClinVar aggregate classification (germline): Uncertain significance (1 of 4 stars; one submission).

Conditions:
Combined deficiency of sialidase AND beta galactosidase (GSL). Also called: CATHEPSIN A DEFICIENCY; GOLDBERG SYNDROME; NEURAMINIDASE DEFICIENCY WITH BETA-GALACTOSIDASE DEFICIENCY; NEURAMINIDASE/BETA-GALACTOSIDASE EXPRESSION; PPCA DEFICIENCY; PROTECTIVE PROTEIN/CATHEPSIN A DEFICIENCY. Identifiers: Orphanet 351, MedGen C0268233, MONDO:0009737, OMIM 256540.

Allele frequency attached by ClinVar (database versions not stated): gnomAD exomes below 0.00001.
gnomAD v4.1: 2 of 1,614,054 alleles (0.00012%); highest among the groups gnomAD compares: Non-Finnish European, 0.00017%; no homozygotes.

Submission:

Labcorp Genetics (formerly Invitae), Labcorp
Classification: Uncertain significance for Combined deficiency of sialidase AND beta galactosidase. Last evaluated: 2023-08-10. Review status: criteria provided, single submitter. Criteria: Invitae Variant Classification Sherloc (09022015). Collection method: clinical testing. Allele origin: germline.
Comment: Advanced modeling of protein sequence and biophysical properties (such as structural, functional, and spatial information, amino acid conservation, physicochemical variation, residue mobility, and thermodynamic stability) performed at Invitae indicates that this missense variant is not expected to disrupt CTSA protein function. In summary, the available evidence is currently insufficient to determine the role of this variant in disease. Therefore, it has been classified as a Variant of Uncertain Significance. ClinVar contains an entry for this variant (Variation ID: 1473315). This variant has not been reported in the literature in individuals affected with CTSA-related conditions. This variant is not present in population databases (gnomAD no frequency). This sequence change replaces tyrosine, which is neutral and polar, with cysteine, which is neutral and slightly polar, at codon 160 of the CTSA protein (p.Tyr160Cys).

NM_000308.4(CTSA):c.425A>G (p.Tyr142Cys)

Gene: CTSA (cathepsin A; plus strand). Cytogenetic location: 20q13.12.
Variant type: single nucleotide variant.
Coding change: c.425A>G on transcript NM_000308.4 (MANE Select); coding-DNA position 425, A replaced by G.
Protein change: p.Tyr142Cys; replaces tyrosine 142 with cysteine.
Molecular consequence: missense variant. On other transcripts: non-coding transcript variant (1).
Genome position (GRCh38, 1-based): chr20:45,892,465, A>G. VCF-style: chr20-45892465-A-G. GRCh37 (hg19) VCF-style: chr20-44521104-A-G.
Other names: c.425A>G, p.Tyr142Cys (NM_001127695.3); c.374A>G, p.Tyr125Cys (NM_001167594.3); short protein forms Y142C, Y125C.
Identifiers: ClinVar variation 1473315 (VCV001473315.6), dbSNP rs2145815279, ClinGen allele CA409248994.